The following is an entry in ClinVar:

NM_004304.5(ALK):c.482C>A (p.Ala161Glu)

Gene: ALK (ALK receptor tyrosine kinase; minus strand). Cytogenetic location: 2p23.1.
Variant type: single nucleotide variant.
Coding change: c.482C>A on transcript NM_004304.5 (MANE Select); coding-DNA position 482, C replaced by A.
Protein change: p.Ala161Glu; replaces alanine 161 with glutamic acid.
Molecular consequence: missense variant.
Genome position (GRCh38, 1-based): chr2:29,920,178, G>T on the plus strand (C>A on the coding strand, the complement: ALK is on the minus strand). VCF-style: chr2-29920178-G-T. GRCh37 (hg19) VCF-style: chr2-30143044-G-T.
Other names: short protein forms A161E.
Identifiers: ClinVar variation 1495156 (VCV001495156.11), dbSNP rs2148443167, ClinGen allele CA346589959.

ClinVar aggregate classification (germline): Uncertain significance. Review status: criteria provided, multiple submitters, no conflicts (2 of 4 stars). 2 submissions from 2 submitters: Uncertain significance (2). Last evaluated 2024-10-11.

Conditions:
Hereditary cancer-predisposing syndrome. Also called: Neoplastic Syndromes, Hereditary; Tumor predisposition; Hereditary neoplastic syndrome; Hereditary Cancer Syndrome. Identifiers: Orphanet 140162, MedGen C0027672, MeSH D009386, MONDO:0015356.
Neuroblastoma, susceptibility to, 3. Also called: ALK-Related Neuroblastic Tumor Susceptibility. Identifiers: Orphanet 635, MedGen C2751681, MONDO:0013083, OMIM 613014.

Submissions (2):

Ambry Genetics
Classification: Uncertain significance for Hereditary cancer-predisposing syndrome. Last evaluated: 2024-10-11. Review status: criteria provided, single submitter. Criteria: Ambry Variant Classification Scheme 2023. Collection method: clinical testing. Allele origin: germline.
Comment: The p.A161E variant (also known as c.482C>A), located in coding exon 1 of the ALK gene, results from a C to A substitution at nucleotide position 482. The alanine at codon 161 is replaced by glutamic acid, an amino acid with dissimilar properties. This amino acid position is conserved. In addition, this alteration is predicted to be tolerated by in silico analysis. Since supporting evidence is limited at this time, the clinical significance of this alteration remains unclear.

Labcorp Genetics (formerly Invitae), Labcorp
Classification: Uncertain significance for Neuroblastoma, susceptibility to, 3. Last evaluated: 2022-04-28. Review status: criteria provided, single submitter. Criteria: Invitae Variant Classification Sherloc (09022015). Collection method: clinical testing. Allele origin: germline.
Comment: This sequence change replaces alanine, which is neutral and non-polar, with glutamic acid, which is acidic and polar, at codon 161 of the ALK protein (p.Ala161Glu). This variant is not present in population databases (gnomAD no frequency). This variant has not been reported in the literature in individuals affected with ALK-related conditions. Algorithms developed to predict the effect of missense changes on protein structure and function are either unavailable or do not agree on the potential impact of this missense change (SIFT: "Deleterious"; PolyPhen-2: "Benign"; Align-GVGD: "Class C0"). In summary, the available evidence is currently insufficient to determine the role of this variant in disease. Therefore, it has been classified as a Variant of Uncertain Significance.